The following is an entry in ClinVar:

NM_004990.4(MARS1):c.212dup (p.Leu71fs)

Gene: MARS1 (methionyl-tRNA synthetase 1; plus strand). Cytogenetic location: 12q13.3.
Variant type: Duplication.
Coding change: c.212dup on transcript NM_004990.4 (MANE Select); coding-DNA position 212, one base duplicated (T; older notation c.212dupT).
Protein change: p.Leu71fs; shifts the reading frame from leucine 71.
Molecular consequence: frameshift variant.
Genome position (GRCh38, 1-based): chr12:57,489,278, T duplicated; the last of 9 consecutive T bases (chr12:57,489,270-57,489,278); duplicating any one gives the same sequence. VCF-style (leftmost placement, unchanged base first): chr12-57489269-A-AT. GRCh37 (hg19) VCF-style: chr12-57883052-A-AT.
Other names: short protein forms L71fs.
Identifiers: ClinVar variation 3752258 (VCV003752258.1).

ClinVar aggregate classification (germline): Uncertain significance (1 of 4 stars; one submission).

Conditions:
Severe early-onset pulmonary alveolar proteinosis due to MARS deficiency. Also called: Interstitial lung and liver disease; PULMONARY ALVEOLAR PROTEINOSIS, REUNION ISLAND. Identifiers: Orphanet 440427, MedGen C4225400, MONDO:0014206, OMIM 615486.
Charcot-Marie-Tooth disease axonal type 2U. Also called: CHARCOT-MARIE-TOOTH NEUROPATHY, TYPE 2U; CHARCOT-MARIE-TOOTH DISEASE, AXONAL, AUTOSOMAL DOMINANT, TYPE 2U. Identifiers: Orphanet 397735, MedGen C4084821, MONDO:0014566, OMIM 616280.

Submission:

Labcorp Genetics (formerly Invitae), Labcorp
Classification: Uncertain significance for Charcot-Marie-Tooth disease axonal type 2U; Severe early-onset pulmonary alveolar proteinosis due to MARS deficiency. Last evaluated: 2024-05-31. Review status: criteria provided, single submitter. Criteria: Invitae Variant Classification Sherloc (09022015). Collection method: clinical testing. Allele origin: germline.
Comment: This sequence change creates a premature translational stop signal (p.Leu71Phefs*9) in the MARS gene. It is expected to result in an absent or disrupted protein product. However, the current clinical and genetic evidence is not sufficient to establish whether loss-of-function variants in MARS cause disease. The frequency data for this variant in the population databases is considered unreliable, as metrics indicate poor data quality at this position in the gnomAD database. This variant has not been reported in the literature in individuals affected with MARS-related conditions. In summary, the available evidence is currently insufficient to determine the role of this variant in disease. Therefore, it has been classified as a Variant of Uncertain Significance.